The following is an entry in ClinVar:

NM_000388.4(CASR):c.2756A>G (p.Asn919Ser)

Gene: CASR (calcium sensing receptor; plus strand). Cytogenetic location: 3q21.1.
Variant type: single nucleotide variant.
Coding change: c.2756A>G on transcript NM_000388.4 (MANE Select); coding-DNA position 2756, A replaced by G.
Protein change: p.Asn919Ser; replaces asparagine 919 with serine.
Molecular consequence: missense variant.
Genome position (GRCh38, 1-based): chr3:122,284,710, A>G. VCF-style: chr3-122284710-A-G. GRCh37 (hg19) VCF-style: chr3-122003557-A-G.
Other names: c.2786A>G, p.Asn929Ser (NM_001178065.2); short protein forms N919S, N929S.
Identifiers: ClinVar variation 3231554 (VCV003231554.1), dbSNP rs2473281753, ClinGen allele CA354160699.

ClinVar aggregate classification (germline): Uncertain significance (1 of 4 stars; one submission).

Conditions:
Nephrolithiasis/nephrocalcinosis. Identifiers: MedGen CN580796.

Submission:

Ambry Genetics
Classification: Uncertain significance for Nephrolithiasis/nephrocalcinosis. Last evaluated: 2023-07-21. Review status: criteria provided, single submitter. Criteria: Ambry Variant Classification Scheme 2023. Collection method: clinical testing. Allele origin: germline.
Comment: The p.N919S variant (also known as c.2756A>G), located in coding exon 6 of the CASR gene, results from an A to G substitution at nucleotide position 2756. The asparagine at codon 919 is replaced by serine, an amino acid with highly similar properties. This amino acid position is conserved. In addition, this alteration is predicted to be tolerated by in silico analysis. Since supporting evidence is limited at this time, the clinical significance of this alteration remains unclear.